The following is an entry in ClinVar:

NM_001148.6(ANK2):c.2954_2955del (p.Arg985fs)

Gene: ANK2 (ankyrin 2; plus strand). Cytogenetic location: 4q26.
Variant type: Deletion.
Coding change: c.2954_2955del on transcript NM_001148.6 (MANE Select); coding-DNA positions 2954 to 2955, 2 bases deleted (GA; older notation c.2954_2955delGA).
Protein change: p.Arg985fs; shifts the reading frame from arginine 985.
Molecular consequence: frameshift variant.
Genome position (GRCh38, 1-based): chr4:113,330,299-113,330,300, GA deleted; deleting any 2 consecutive bases within chr4:113,330,298-113,330,300 gives the same sequence; the c. name uses the placement nearest the transcript's 3' end. VCF-style (leftmost placement, unchanged base first): chr4-113330297-CAG-C. GRCh37 (hg19) VCF-style: chr4-114251453-CAG-C.
Other names: c.2927_2928del, p.Arg976fs (NM_001127493.3); c.2954_2955delGA, p.Arg985Thrfs (NM_001148.4); c.2966_2967del, p.Arg989fs (NM_001354225.2); c.2954_2955del, p.Arg985fs (NM_001354228.2, NM_001354258.2, NM_020977.5); c.3032_3033del, p.Arg1011fs (NM_001354230.2, NM_001354237.2); c.2996_2997del, p.Arg999fs (NM_001354231.2, NM_001354242.2); c.2990_2991del, p.Arg997fs (NM_001354232.2); c.2951_2952del, p.Arg984fs (NM_001354235.2, NM_001354236.2, NM_001354246.2 and 1 more transcripts); and 24 more; short protein forms R1000fs, R1004fs, R1011fs, R1024fs, R1032fs, R194fs, R206fs, R857fs.
Identifiers: ClinVar variation 2575852 (VCV002575852.1), dbSNP rs2502136452, ClinGen allele CA2580616759.
Genomic context (GRCh38, chr4:113,330,297, plus strand): 5'-AATTTTTAGTTTCCTGGTTAGTTTTATGGTGGATGCCCGAGGTGGTGCTATGCGAGGATG[CAG>C]ACACAATGGGCTCCGAATCATTATTCCACCTCGGAAATGTACTGCTCCAACGCGAGTCAC-3'

ClinVar aggregate classification (germline): Pathogenic (1 of 4 stars; one submission).

Submission:

GeneDx
Classification: Pathogenic. Last evaluated: 2023-02-09. Review status: criteria provided, single submitter. Criteria: GeneDx Variant Classification Process June 2021. Collection method: clinical testing. Allele origin: germline. Affected: yes.
Comment: Frameshift variant predicted to result in protein truncation or nonsense mediated decay in a gene for which loss of function is a known mechanism of disease; Not observed at significant frequency in large population cohorts (gnomAD); Has not been previously published as pathogenic or benign to our knowledge